The following is an entry in ClinVar:

ClinVar aggregate classification (germline): Benign. Review status: criteria provided, multiple submitters, no conflicts (2 of 4 stars). 24 submissions from 17 submitters: Benign (20). 4 of the submissions do not count toward it. Last evaluated 2026-03-27.

Conditions:
Dilated cardiomyopathy 1G (CMD1G). Identifiers: Orphanet 154, MedGen C1858763, MONDO:0011400, OMIM 604145.
Autosomal recessive limb-girdle muscular dystrophy type 2J (LGMDR10). Also called: MUSCULAR DYSTROPHY, LIMB-GIRDLE, AUTOSOMAL RECESSIVE 10; Limb-girdle muscular dystrophy, type 2J. Identifiers: Orphanet 140922, MedGen C1837342, MONDO:0012127, OMIM 608807.
Cardiovascular phenotype. Identifiers: MedGen CN230736.
Early-onset myopathy with fatal cardiomyopathy (CMYO5). Also called: CONGENITAL MYOPATHY 5 WITH CARDIOMYOPATHY; Salih Myopathy. Identifiers: Orphanet 289377, MedGen C2673677, MONDO:0012714, OMIM 611705. Disease mechanism: loss of function.
Myopathy, myofibrillar, 9, with early respiratory failure (MFM9). Also called: Myopathy, distal, with early respiratory failure, autosomal dominant; Hereditary myopathy with early respiratory failure; MYOPATHY, PROXIMAL, WITH EARLY RESPIRATORY MUSCLE INVOLVEMENT; EDSTROM MYOPATHY. Identifiers: Orphanet 178464, Orphanet 34521, MedGen C1863599, MONDO:0011362, OMIM 603689.
Tibial muscular dystrophy (TMD). Also called: Udd Distal Myopathy – Tibial Muscular Dystrophy; Tibial muscular dystrophy, tardive; UDD MYOPATHY. Identifiers: Orphanet 609, MedGen C1838244, MONDO:0010870, OMIM 600334.

Allele frequency attached by ClinVar (database versions not stated): ESP Exome Variant Server 0.04784; gnomAD 0.06031 and 0.06404; gnomAD exomes 0.07953; 1000 Genomes Project 0.09784; 1000 Genomes Project 30x 0.09838; TOPMed 0.06767; ExAC 0.07444.
gnomAD v4.1: 79,044 of 1,613,490 alleles (4.9%); highest among the groups gnomAD compares: Admixed American, 19%; 3,832 homozygotes.

Submissions 1 to 21 of 43:

Molecular Diagnostic Laboratory for Inherited Cardiovascular Disease, Montreal Heart Institute
Classification: Benign. Last evaluated: 2026-03-27. Review status: criteria provided, single submitter. Criteria: ACMG Guidelines, 2015. Collection method: clinical testing. Allele origin: germline. Affected: no.

Labcorp Genetics (formerly Invitae), Labcorp
Classification: Benign for Dilated cardiomyopathy 1G; Autosomal recessive limb-girdle muscular dystrophy type 2J. Last evaluated: 2026-02-04. Review status: criteria provided, single submitter. Criteria: Invitae Variant Classification Sherloc (09022015). Collection method: clinical testing. Allele origin: germline.

Genome-Nilou Lab
Classification: Benign for Autosomal recessive limb-girdle muscular dystrophy type 2J. Last evaluated: 2021-09-10. Review status: criteria provided, single submitter. Criteria: ACMG Guidelines, 2015. Collection method: clinical testing. Allele origin: germline. Affected: no.

Genome-Nilou Lab
Classification: Benign for Myopathy, myofibrillar, 9, with early respiratory failure. Last evaluated: 2021-09-10. Review status: criteria provided, single submitter. Criteria: ACMG Guidelines, 2015. Collection method: clinical testing. Allele origin: germline. Affected: no.

Genome-Nilou Lab
Classification: Benign for Early-onset myopathy with fatal cardiomyopathy. Last evaluated: 2021-09-10. Review status: criteria provided, single submitter. Criteria: ACMG Guidelines, 2015. Collection method: clinical testing. Allele origin: germline. Affected: no.

Genome-Nilou Lab
Classification: Benign for Tibial muscular dystrophy. Last evaluated: 2021-09-10. Review status: criteria provided, single submitter. Criteria: ACMG Guidelines, 2015. Collection method: clinical testing. Allele origin: germline. Affected: no.

Women's Health and Genetics/Laboratory Corporation of America, LabCorp
Classification: Benign. Last evaluated: 2019-10-30. Review status: criteria provided, single submitter. Criteria: LabCorp Variant Classification Summary - May 2015. Collection method: clinical testing. Allele origin: germline.
Comment: Variant summary: TTN c.64289G>A (p.Arg21430His) results in a non-conservative amino acid change located in the A-band of the encoded protein sequence. Four of five in-silico tools predict a damaging effect of the variant on protein function. The variant allele was found at a frequency of 0.08 in 248154 control chromosomes, predominantly at a frequency of 0.2 within the Latino subpopulation in the gnomAD database, including 713 homozygotes. The observed variant frequency within Latino control individuals in the gnomAD database is approximately 320-folds over the estimated maximal expected allele frequency for a pathogenic variant in TTN causing Cardiomyopathy phenotype (0.00063), strongly suggesting that the variant is a benign polymorphism found primarily in populations of Latino origin. A ClinVar submission (evaluation after 2014) cites the variant as likely benign. Based on the evidence outlined above, the variant was classified as benign.

Illumina Laboratory Services, Illumina
Classification: Benign for Myopathy, myofibrillar, 9, with early respiratory failure. Last evaluated: 2018-01-13. Review status: criteria provided, single submitter. Criteria: ICSL Variant Classification Criteria 13 December 2019. Collection method: clinical testing. Allele origin: germline.
Comment: This variant was observed in the ICSL laboratory as part of a predisposition screen in an ostensibly healthy population. It had not been previously curated by ICSL or reported in the Human Gene Mutation Database (HGMD: prior to June 1st, 2018), and was therefore a candidate for classification through an automated scoring system. Utilizing variant allele frequency, disease prevalence and penetrance estimates, and inheritance mode, an automated score was calculated to assess if this variant is too frequent to cause the disease. Based on the score and internal cut-off values, a variant classified as benign is not then subjected to further curation. The score for this variant resulted in a classification of benign for this disease.

Illumina Laboratory Services, Illumina
Classification: Benign for Tibial muscular dystrophy. Last evaluated: 2018-01-13. Review status: criteria provided, single submitter. Criteria: ICSL Variant Classification Criteria 13 December 2019. Collection method: clinical testing. Allele origin: germline.
Comment: the same text as in the submission from Illumina Laboratory Services, Illumina above.

Illumina Laboratory Services, Illumina
Classification: Benign for Dilated cardiomyopathy 1G. Last evaluated: 2018-01-13. Review status: criteria provided, single submitter. Criteria: ICSL Variant Classification Criteria 13 December 2019. Collection method: clinical testing. Allele origin: germline.
Comment: the same text as in the submission from Illumina Laboratory Services, Illumina above.

Illumina Laboratory Services, Illumina
Classification: Benign for Autosomal recessive limb-girdle muscular dystrophy type 2J. Last evaluated: 2018-01-13. Review status: criteria provided, single submitter. Criteria: ICSL Variant Classification Criteria 13 December 2019. Collection method: clinical testing. Allele origin: germline.
Comment: the same text as in the submission from Illumina Laboratory Services, Illumina above.

Illumina Laboratory Services, Illumina
Classification: Benign for Early-onset myopathy with fatal cardiomyopathy. Last evaluated: 2018-01-13. Review status: criteria provided, single submitter. Criteria: ICSL Variant Classification Criteria 13 December 2019. Collection method: clinical testing. Allele origin: germline.
Comment: the same text as in the submission from Illumina Laboratory Services, Illumina above.

Mayo Clinic Laboratories, Mayo Clinic
Classification: Benign. Last evaluated: 2017-08-24. Review status: criteria provided, single submitter. Criteria: ACMG Guidelines, 2015. Collection method: clinical testing. Allele origin: germline. Observed: 236 variant alleles.

Eurofins Ntd Llc (ga)
Classification: Benign. Last evaluated: 2014-06-04. Review status: criteria provided, single submitter. Criteria: EGL Classification Definitions 2015. Collection method: clinical testing. Allele origin: germline. Observed: 2 variant alleles, 2 heterozygotes.

Biesecker Lab/Clinical Genomics Section, National Institutes of Health
Classification: Benign. Last evaluated: 2013-06-24. Review status: criteria provided, single submitter. Criteria: Ng et al. (Circ Cardiovasc Genet. 2013). Collection method: research. Allele origin: unknown. Observed: 63 variant alleles. Study: ClinSeq.
Comment: The study set was not selected for affection status in relation to any cancer. Pathogenicity categories were based on literature curation. See Pubmed ID:23861362 for details.

Medical sequencing

Ambry Genetics
Classification: Benign for Cardiovascular phenotype. Last evaluated: 2013-01-16. Review status: criteria provided, single submitter. Criteria: Ambry Autosomal Dominant and X-Linked criteria (10/2015). Collection method: clinical testing. Allele origin: germline. Observed: 1 variant allele.

GeneDx
Classification: Benign. Last evaluated: 2012-10-18. Review status: criteria provided, single submitter. Criteria: GeneDx Variant Classification (06012015). Collection method: clinical testing. Allele origin: germline. Affected: yes.
Comment: This variant is considered likely benign or benign based on one or more of the following criteria: it is a conservative change, it occurs at a poorly conserved position in the protein, it is predicted to be benign by multiple in silico algorithms, and/or has population frequency not consistent with disease.

Laboratory for Molecular Medicine, Mass General Brigham Personalized Medicine
Classification: Benign. Last evaluated: 2011-09-27. Review status: criteria provided, single submitter. Criteria: LMM Criteria. Collection method: clinical testing. Allele origin: germline. Observed: 194 variant alleles.

Breakthrough Genomics
Classification: Benign. Review status: criteria provided, single submitter. Criteria: ACMG Guidelines, 2015. Collection method: not provided. Allele origin: germline. Inheritance: Autosomal recessive inheritance. Affected: yes.

PreventionGenetics, part of Exact Sciences
Classification: Benign. Review status: criteria provided, single submitter. Criteria: ACMG Guidelines, 2015. Collection method: clinical testing. Allele origin: germline.

Clinical Genetics DNA and cytogenetics Diagnostics Lab, Erasmus MC, Erasmus Medical Center
Classification: Benign. Review status: no assertion criteria provided. Collection method: clinical testing. Allele origin: germline. Affected: yes. Study: VKGL Data-share Consensus. Not counted in ClinVar's aggregate classification.

NM_001267550.2(TTN):c.71993G>A (p.Arg23998His)

Genes: TTN-AS1 (TTN antisense RNA 1; plus strand), TTN (titin; minus strand). Cytogenetic location: 2q31.2.
Variant type: single nucleotide variant.
Coding change: c.71993G>A on transcript NM_001267550.2 (MANE Select); coding-DNA position 71993, G replaced by A.
Protein change: p.Arg23998His; replaces arginine 23998 with histidine.
Molecular consequence: missense variant.
Genome position (GRCh38, 1-based): chr2:178,574,139, C>T on the plus strand (G>A on the coding strand, the complement: TTN is on the minus strand). VCF-style: chr2-178574139-C-T. GRCh37 (hg19) VCF-style: chr2-179438866-C-T.
Other names: p.R21430H:CGT>CAT; c.67070G>A, p.Arg22357His (NM_001256850.1); c.44798G>A, p.Arg14933His (NM_003319.4); c.64289G>A, p.Arg21430His (NM_133378.4); c.45173G>A, p.Arg15058His (NM_133432.3); c.45374G>A, p.Arg15125His (NM_133437.4); short protein forms R23998H, R21430H, R22357H, R14933H, R15058H, R15125H.
Identifiers: ClinVar variation 47305 (VCV000047305.38), dbSNP rs10164753, ClinGen allele CA283719.